The following is an entry in ClinVar:

ClinVar aggregate classification (germline): Uncertain significance (1 of 4 stars; one submission).

Conditions:
Catecholaminergic polymorphic ventricular tachycardia 1. Also called: VENTRICULAR TACHYCARDIA, STRESS-INDUCED POLYMORPHIC 1; VENTRICULAR TACHYCARDIA, CATECHOLAMINERGIC POLYMORPHIC, 1, WITH OR WITHOUT ATRIAL DYSFUNCTION AND/OR DILATED CARDIOMYOPATHY; RYR2-Related Catecholaminergic Polymorphic Ventricular Tachycardia. Identifiers: Orphanet 3286, MedGen C1631597, MONDO:0011484, OMIM 604772.

gnomAD v4.1: 2 of 1,257,996 alleles (0.00016%); highest among the groups gnomAD compares: African/African-American, 0.0015%; no homozygotes.

Submission:

Labcorp Genetics (formerly Invitae), Labcorp
Classification: Uncertain significance for Catecholaminergic polymorphic ventricular tachycardia 1. Last evaluated: 2023-08-18. Review status: criteria provided, single submitter. Criteria: Invitae Variant Classification Sherloc (09022015). Collection method: clinical testing. Allele origin: germline.
Comment: This sequence change falls in intron 1 of the RYR2 gene. It does not directly change the encoded amino acid sequence of the RYR2 protein. In summary, the available evidence is currently insufficient to determine the role of this variant in disease. Therefore, it has been classified as a Variant of Uncertain Significance. Algorithms developed to predict the effect of sequence changes on RNA splicing suggest that this variant may create or strengthen a splice site. This variant has not been reported in the literature in individuals affected with RYR2-related conditions. This variant is not present in population databases (gnomAD no frequency).

NM_001035.3(RYR2):c.48+9C>T

Gene: RYR2 (ryanodine receptor 2; plus strand). Cytogenetic location: 1q43.
Variant type: single nucleotide variant.
Coding change: c.48+9C>T on transcript NM_001035.3 (MANE Select); 9 bases into the intron after coding-DNA position 48, C replaced by T.
Molecular consequence: intron variant.
Genome position (GRCh38, 1-based): chr1:237,042,578, C>T. VCF-style: chr1-237042578-C-T. GRCh37 (hg19) VCF-style: chr1-237205878-C-T.
Identifiers: ClinVar variation 2821209 (VCV002821209.3), dbSNP rs2527004761, ClinGen allele CA2651194335.